The following is an entry in ClinVar:

ClinVar aggregate classification (germline): Likely benign (1 of 4 stars; one submission).

Submission:

CeGaT Center for Human Genetics Tuebingen
Classification: Likely benign. Last evaluated: 2024-09-01. Review status: criteria provided, single submitter. Criteria: CeGaT Center For Human Genetics Tuebingen Variant Classification Criteria Version 2. Collection method: clinical testing. Allele origin: germline. Affected: yes. Observed: 1 variant allele.
Comment: KLK11: BP4, BP7, BS2

NM_001136032.3(KLK11):c.-10C>G

Gene: KLK11 (kallikrein related peptidase 11; minus strand). Cytogenetic location: 19q13.41.
Variant type: single nucleotide variant.
Coding change: c.-10C>G on transcript NM_001136032.3 (MANE Select); 10 bases upstream of the start codon, C replaced by G.
Molecular consequence: 5 prime UTR variant. On other transcripts: synonymous variant (1).
Genome position (GRCh38, 1-based): chr19:51,025,641, G>C on the plus strand (C>G on the coding strand, the complement: KLK11 is on the minus strand). VCF-style: chr19-51025641-G-C. GRCh37 (hg19) VCF-style: chr19-51528897-G-C.
Other names: c.-10C>G (NM_001167605.2, NM_006853.3); c.87C>G, p.Pro29= (NM_144947.3).
Identifiers: ClinVar variation 3387897 (VCV003387897.14).